The following is an entry in ClinVar:

ClinVar aggregate classification (germline): Pathogenic (1 of 4 stars; one submission).

Submission:

Quest Diagnostics Nichols Institute San Juan Capistrano
Classification: Pathogenic. Last evaluated: 2021-12-13. Review status: criteria provided, single submitter. Criteria: ACMG/ClinGen CNV Guidelines, 2019. Collection method: clinical testing. Allele origin: unknown.
Comment: This copy number loss may cause phenotypic and/or developmental abnormalities. Inherited and de novo deletions involving 16p13.11 have been implicated in variable phenotypes ranging from normalcy to neurodevelopmental disorders with intellectual disability. A male-biased effect has been observed (Tropeano et al. PLoS One. 2013 Apr 18;8(4):e61365. PMID: 23637818; Nagamani et al., Eur J Hum Genet. 2010 19(3):280-6, PMID: 21150890; Hannes et al., 2009. J Med Genet. 46(4):223-32, PMID: 18550696; Ullmann et al., 2007. Hum Mutat. 28(7):674-82, PMID: 17480035). Inheritance from a normal or mildly affected parent has been reported, suggesting incomplete penetrance and variable expressivity. NDE1 (609449) is the strongest candidate gene for the associated neurodevelopmental phenotypes, though other genes likely contribute to the phenotype as well. Biallelic pathogenic variants of NDE1 are also associated with autosomal recessive lissencephaly 4 with microcephaly (OMIM 614019) and microhydranencephaly (OMIM 605013).

GRCh37/hg19 16p13.11(chr16:15476224-16330672)x1

Genes: ABCC1 (ATP binding cassette subfamily C member 1 (ABCC1 blood group); plus strand), ABCC6 (ATP binding cassette subfamily C member 6; minus strand), BMERB1 (bMERB domain containing 1; plus strand), CEP20 (centrosomal protein 20; minus strand), MARF1 (meiosis regulator and mRNA stability factor 1; minus strand) and 4 more. Cytogenetic location: 16p13.11.
Variant type: copy number loss.
Change: copy number 1 (one copy instead of two) of chr16:15,476,224-16,330,672 (854.4 kb, GRCh37 coordinates, 1-based), cytogenetic band 16p13.11.
Identifiers: ClinVar variation 1807827 (VCV001807827.1).